The following is an entry in ClinVar:

ClinVar aggregate classification (germline): Uncertain significance (1 of 4 stars; one submission).

Allele frequency attached by ClinVar (database versions not stated): gnomAD exomes below 0.00001 and 0.00001; TOPMed 0.00001; ExAC 0.00002.
gnomAD v4.1: 2 of 1,208,460 alleles (0.00017%); highest among the groups gnomAD compares: Non-Finnish European, 0.00022%; no homozygotes.

Submission:

Labcorp Genetics (formerly Invitae), Labcorp
Classification: Uncertain significance. Last evaluated: 2021-09-01. Review status: criteria provided, single submitter. Criteria: Invitae Variant Classification Sherloc (09022015). Collection method: clinical testing. Allele origin: germline.
Comment: This sequence change replaces glutamic acid with aspartic acid at codon 597 of the CHM protein (p.Glu597Asp). The glutamic acid residue is weakly conserved and there is a small physicochemical difference between glutamic acid and aspartic acid. This variant is present in population databases (rs747165956, ExAC 0.003%). This variant has not been reported in the literature in individuals affected with CHM-related conditions. Algorithms developed to predict the effect of missense changes on protein structure and function (SIFT, PolyPhen-2, Align-GVGD) all suggest that this variant is likely to be tolerated. In summary, the available evidence is currently insufficient to determine the role of this variant in disease. Therefore, it has been classified as a Variant of Uncertain Significance.

NM_000390.4(CHM):c.1791A>T (p.Glu597Asp)

Gene: CHM (CHM Rab escort protein; minus strand). Cytogenetic location: Xq21.2.
Variant type: single nucleotide variant.
Coding change: c.1791A>T on transcript NM_000390.4 (MANE Select); coding-DNA position 1791, A replaced by T.
Protein change: p.Glu597Asp; replaces glutamic acid 597 with aspartic acid.
Molecular consequence: missense variant.
Genome position (GRCh38, 1-based): chrX:85,864,801, T>A on the plus strand (A>T on the coding strand, the complement: CHM is on the minus strand). VCF-style: chrX-85864801-T-A. GRCh37 (hg19) VCF-style: chrX-85119806-T-A.
Other names: c.1347A>T, p.Glu449Asp (NM_001320959.1, NM_001362517.1, NM_001362518.2 and 1 more transcripts); short protein forms E449D, E597D.
Identifiers: ClinVar variation 1383453 (VCV001383453.5), dbSNP rs747165956, ClinGen allele CA10465300.
Genomic context (GRCh38, chrX:85,864,801, plus strand): 5'-ATCAAGGATAATGTCTTCAGGATTTGGTGGAGGGGGACAGAAATCTTCATTGGGGCAGAT[T>A]TCCTGGAAAAGTGTTTCAGCCTGGCCAAGGAAGAAAAGATAAAATCGTTTTTGGAAATCG-3'
Protein context (NP_000381.1, residues 587-607): AVKQAETLFQ[Glu597Asp]ICPNEDFCPP